The following is an entry in ClinVar:

ClinVar aggregate classification (germline): Uncertain significance (1 of 4 stars; one submission).

Conditions:
Inborn genetic diseases. Identifiers: MedGen C0950123, MeSH D030342.

Allele frequency attached by ClinVar (database versions not stated): TOPMed below 0.00001; gnomAD 0.00001.
gnomAD v4.1: 1 of 1,613,662 alleles (0.000062%); highest among the groups gnomAD compares: African/African-American, 0.0013%; no homozygotes.

Submission:

Ambry Genetics
Classification: Uncertain significance for Inborn genetic diseases. Last evaluated: 2024-08-30. Review status: criteria provided, single submitter. Criteria: Ambry Variant Classification Scheme 2023. Collection method: clinical testing. Allele origin: germline.
Comment: The p.D174E variant (also known as c.522T>G), located in coding exon 5 of the LRRK2 gene, results from a T to G substitution at nucleotide position 522. The aspartic acid at codon 174 is replaced by glutamic acid, an amino acid with highly similar properties. This amino acid position is conserved. In addition, this alteration is predicted to be tolerated by in silico analysis. Since supporting evidence is limited at this time, the clinical significance of this alteration remains unclear.

NM_198578.4(LRRK2):c.522T>G (p.Asp174Glu)

Gene: LRRK2 (leucine rich repeat kinase 2; plus strand). Cytogenetic location: 12q12.
Variant type: single nucleotide variant.
Coding change: c.522T>G on transcript NM_198578.4 (MANE Select); coding-DNA position 522, T replaced by G.
Protein change: p.Asp174Glu; replaces aspartic acid 174 with glutamic acid.
Molecular consequence: missense variant.
Genome position (GRCh38, 1-based): chr12:40,238,054, T>G. VCF-style: chr12-40238054-T-G. GRCh37 (hg19) VCF-style: chr12-40631856-T-G.
Other names: short protein forms D174E.
Identifiers: ClinVar variation 1746232 (VCV001746232.3), dbSNP rs987823729, ClinGen allele CA235352032.
Genomic context (GRCh38, chr12:40,238,054, plus strand): 5'-TGAAGAAAGTGATATTTTCATGTTAATTTTTGATGCCATGCACTCATTTCCAGCCAATGA[T>G]GAAGTCCAGAAACTTGGATGCAAAGCTTTACATGTGCTGTTTGAGAGAGGTATTTTAAAA-3'
Protein context (NP_940980.4, residues 164-184): FDAMHSFPAN[Asp174Glu]EVQKLGCKAL